The following is an entry in ClinVar:

ClinVar aggregate classification (germline): Conflicting classifications of pathogenicity. Review status: criteria provided, conflicting classifications (1 of 4 stars). 15 submissions from 15 submitters: Uncertain significance (10); Likely benign (2). 3 of the submissions do not count toward it. Last evaluated 2026-01-08.

Conditions:
MYH11-related disorder. Also called: MYH11-related condition.
Familial thoracic aortic aneurysm and aortic dissection (TAAD). Also called: Thoracic aortic aneurysms and dissections. Identifiers: Orphanet 91387, MedGen C4707243, MONDO:0019625.
Aortic aneurysm, familial thoracic 4 (AAT4). Also called: AORTIC ANEURYSM/AORTIC DISSECTION AND PATENT DUCTUS ARTERIOSUS. Identifiers: MedGen C1851504, MONDO:0007568, OMIM 132900.

Allele frequency attached by ClinVar (database versions not stated): TOPMed 0.00012; gnomAD exomes 0.00017; ExAC 0.00021; ESP Exome Variant Server 0.00023; gnomAD 0.00038.
gnomAD v4.1: 304 of 1,609,078 alleles (0.019%); highest among the groups gnomAD compares: Non-Finnish European, 0.024%; no homozygotes.

Submissions 1 to 10 of 17:

Labcorp Genetics (formerly Invitae), Labcorp
Classification: Uncertain significance for Aortic aneurysm, familial thoracic 4. Last evaluated: 2026-01-08. Review status: criteria provided, single submitter. Criteria: Invitae Variant Classification Sherloc (09022015). Collection method: clinical testing. Allele origin: germline.
Comment: This sequence change replaces arginine, which is basic and polar, with glutamine, which is neutral and polar, at codon 1765 of the MYH11 protein (p.Arg1765Gln). This variant is present in population databases (rs142546324, gnomAD 0.04%). This missense change has been observed in individual(s) with thoracic aortic aneurysms and dissections (TAAD) (PMID: 16444274, 27146836, 28659821). This variant is also known as p.Arg1758Gln. ClinVar contains an entry for this variant (Variation ID: 161316). Invitae Evidence Modeling of protein sequence and biophysical properties (such as structural, functional, and spatial information, amino acid conservation, physicochemical variation, residue mobility, and thermodynamic stability) indicates that this missense variant is not expected to disrupt MYH11 protein function with a negative predictive value of 95%. In summary, the available evidence is currently insufficient to determine the role of this variant in disease. Therefore, it has been classified as a Variant of Uncertain Significance.

Mayo Clinic Laboratories, Mayo Clinic
Classification: Uncertain significance. Last evaluated: 2025-12-16. Review status: criteria provided, single submitter. Criteria: ACMG Guidelines, 2015. Collection method: clinical testing. Allele origin: germline. Observed: 1 variant allele.
Comment: BP2, PP3_moderate

CeGaT Center for Human Genetics Tuebingen
Classification: Uncertain significance. Last evaluated: 2025-07-01. Review status: criteria provided, single submitter. Criteria: CeGaT Center For Human Genetics Tuebingen Variant Classification Criteria Version 2. Collection method: clinical testing. Allele origin: germline. Affected: yes. Observed: 4 variant alleles.

GeneDx
Classification: Uncertain significance. Last evaluated: 2024-11-26. Review status: criteria provided, single submitter. Criteria: GeneDx Variant Classification Process June 2021. Collection method: clinical testing. Allele origin: germline. Affected: yes.
Comment: Reported in association with TAAD; however, all affected members from one large family with this variant were also found to harbor another pathogenic variant on the same allele (in cis) (PMID: 16444274, 27146836, 29543232); In silico analysis supports that this missense variant has a deleterious effect on protein structure/function; In silico analysis suggests this variant may impact gene splicing. In the absence of RNA/functional studies, the actual effect of this sequence change is unknown.; Also known as G5361>A; This variant is associated with the following publications: (PMID: 25637381, 25407000, 22955375, 18400036, 27367753, 29543232, 31389005, 32081817, 28659821, 27146836, 16444274, 36763073, 37937776)

Blueprint Genetics
Classification: Likely benign. Last evaluated: 2024-11-13. Review status: criteria provided, single submitter. Criteria: ACMG Guidelines, 2015. Collection method: clinical testing. Allele origin: germline.

Centre of Medical Genetics, University of Antwerp
Classification: Uncertain significance for Familial thoracic aortic aneurysm and aortic dissection. Last evaluated: 2024-09-06. Review status: criteria provided, single submitter. Criteria: ACMG Guidelines, 2015. Collection method: clinical testing. Allele origin: germline. Affected: yes.

Women's Health and Genetics/Laboratory Corporation of America, LabCorp
Classification: Uncertain significance. Last evaluated: 2024-08-13. Review status: criteria provided, single submitter. Criteria: LabCorp Variant Classification Summary - May 2015. Collection method: clinical testing. Allele origin: germline.
Comment: Variant summary: MYH11 c.5294G>A (p.Arg1765Gln) results in a conservative amino acid change located in the Myosin tail domain (IPR002928) of the encoded protein sequence. Four of five in-silico tools predict a damaging effect of the variant on protein function. The variant allele was found at a frequency of 0.00017 in 247716 control chromosomes, predominantly at a frequency of 0.00035 within the Non-Finnish European subpopulation in the gnomAD database. The observed variant frequency within Non-Finnish European control individuals in the gnomAD database is approximately 28 fold of the estimated maximal expected allele frequency for a pathogenic variant in MYH11 causing Aortopathy phenotype (1.3e-06), suggesting that the variant may be a benign polymorphism found primarily in populations of Non-Finnish European origin. c.5294G>A has been reported in the literature in individuals with different cardiac conditions (Zhu_2006, Poninska_2016, Ravindra_2016, Gillis_2017, Weerakkody_2018), however without strong evidence for causality (e.g., lack of co-segregation data or presence of a different co-occurring pathogenic MYH11 variant). These reports therefore do not provide unequivocal conclusions about association of the variant with Aortopathy. Co-occurrence with a pathogenic variant has been reported (MYH11 c.4578+1G>T, Zhu_2006), providing supporting evidence for a benign role. To our knowledge, this variant has not been reported in any individuals affected with Megacystis-microcolon-intestinal hypoperistalsis syndrome 2, and no experimental evidence demonstrating an impact on protein function has been reported. The following publications have been ascertained in the context of this evaluation (PMID: 28659821, 37937776, 27146836, 27367753, 29543232, 16444274). ClinVar contains an entry for this variant (Variation ID: 161316). Based on the evidence outlined above, the variant was classified as VUS-possibly benign.

Color Diagnostics, LLC DBA Color Health
Classification: Likely benign for Familial thoracic aortic aneurysm and aortic dissection. Last evaluated: 2024-02-05. Review status: criteria provided, single submitter. Criteria: ACMG Guidelines, 2015. Collection method: clinical testing. Allele origin: germline.

Ambry Genetics
Classification: Uncertain significance for Familial thoracic aortic aneurysm and aortic dissection. Last evaluated: 2023-12-21. Review status: criteria provided, single submitter. Criteria: Ambry Variant Classification Scheme 2023. Collection method: clinical testing. Allele origin: germline.
Comment: The p.R1758Q variant (also known as c.5273G>A), located in coding exon 36 of the MYH11 gene, results from a G to A substitution at nucleotide position 5273. The arginine at codon 1758 is replaced by glutamine, an amino acid with highly similar properties. This variant has been reported in multiple individuals with thoracic aortic aneurysm and dissection (TAAD) as well as in asymptomatic individuals, including in a large family where this alteration segregated with disease apparently in cis with an MYH11 splice site variant (c.4578+1G>T, reported as IVS32+1G>T) (Zhu L et al. Nat. Genet., 2006 Mar;38:343-9; Weerakkody R et al. Genet. Med., 2018 11;20:1414-1422; Poninska JK et al. J Transl Med, 2016 05;14:115). This variant has also been reported in an infant and an adult with cerebral aneurysms (Ravindra VM et al. J Neurosurg Pediatr, 2016 Oct;18:463-470; Strzelczyk J et al. Pol Arch Intern Med. 2023 Mar;133(3)). This amino acid position is highly conserved in available vertebrate species. In addition, this alteration is predicted to be deleterious by in silico analysis. Since supporting evidence is limited at this time, the clinical significance of this alteration remains unclear.

ARUP Laboratories, Molecular Genetics and Genomics, ARUP Laboratories
Classification: Uncertain significance. Last evaluated: 2023-09-08. Review status: criteria provided, single submitter. Criteria: ARUP Molecular Germline Variant Investigation Process 2024. Collection method: clinical testing. Allele origin: germline.
Comment: The MYH11 c.5273G>A; p.Arg1758Gln variant (rs142546324) is reported in the literature in several individuals affected with thoracic aortic aneurysm and/or dissection (TAAD) (Poninska 2016, Weerakkody 2018, Zhu 2006) and an individual with cerebral aneurysm (Ravindra 2016). In one family, this variant segregated with the phenotype; however, it also occurred in cis with a splice variant that may have explained their disease (Zhu 2006). The p.Arg1758Gln variant is found in the non-Finnish European population with an allele frequency of 0.04% (52/128,864 alleles) in the Genome Aggregation Database. Computational analyses predict that this variant is deleterious (REVEL: 0.864). However, due to limited and conflicting information, the significance of this variant is uncertain at this time. References: Poninska JK et al. Next-generation sequencing for diagnosis of thoracic aortic aneurysms and dissections: diagnostic yield, novel mutations and genotype phenotype correlations. J Transl Med. 2016 May 4;14(1):115. PMID: 27146836. Ravindra VM et al. Rapid de novo aneurysm formation after clipping of a ruptured middle cerebral artery aneurysm in an infant with an MYH11 mutation. J Neurosurg Pediatr. 2016 Oct;18(4):463-470. PMID: 27367753. Weerakkody R et al. Targeted genetic analysis in a large cohort of familial and sporadic cases of aneurysm or dissection of the thoracic aorta. Genet Med. 2018 Nov;20(11):1414-1422. PMID: 29543232. Zhu L et al. Mutations in myosin heavy chain 11 cause a syndrome associating thoracic aortic aneurysm/aortic dissection and patent ductus arteriosus. Nat Genet. 2006 Mar;38(3):343-9. PMID: 16444274.

NM_002474.3(MYH11):c.5273G>A (p.Arg1758Gln)

Genes: MYH11 (myosin heavy chain 11; minus strand), NDE1 (nudE neurodevelopment protein 1; plus strand). Cytogenetic location: 16p13.11.
Variant type: single nucleotide variant.
Coding change: c.5273G>A on transcript NM_002474.3 (MANE Select); coding-DNA position 5273, G replaced by A.
Protein change: p.Arg1758Gln; replaces arginine 1758 with glutamine.
Molecular consequence: missense variant. On other transcripts: intron variant (2).
Genome position (GRCh38, 1-based): chr16:15,718,337, C>T on the plus strand (G>A on the coding strand, the complement: MYH11 is on the minus strand). VCF-style: chr16-15718337-C-T. GRCh37 (hg19) VCF-style: chr16-15812194-C-T.
Other names: p.R1758Q:CGG>CAG; p.Arg1765Gln; c.5294G>A, p.Arg1765Gln (NM_001040113.2, NM_001040114.2); c.5273G>A, p.Arg1758Gln (NM_022844.3); c.948-5854C>T (NM_001143979.2, NM_017668.3); short protein forms R1758Q, R1765Q.
Identifiers: ClinVar variation 161316 (VCV000161316.64), dbSNP rs142546324, ClinGen allele CA272923.